The following is an entry in ClinVar:

ClinVar aggregate classification (germline): Uncertain significance (1 of 4 stars; one submission).

Conditions:
GLUT1 deficiency syndrome 1, autosomal recessive. Identifiers: MedGen C3149117.

Submission:

Labcorp Genetics (formerly Invitae), Labcorp
Classification: Uncertain significance for GLUT1 deficiency syndrome 1, autosomal recessive. Last evaluated: 2019-07-01. Review status: criteria provided, single submitter. Criteria: Invitae Variant Classification Sherloc (09022015). Collection method: clinical testing. Allele origin: germline.
Comment: This variant is not present in population databases (ExAC no frequency). In summary, the available evidence is currently insufficient to determine the role of this variant in disease. Therefore, it has been classified as a Variant of Uncertain Significance. Algorithms developed to predict the effect of missense changes on protein structure and function are either unavailable or do not agree on the potential impact of this missense change (SIFT: "Tolerated"; PolyPhen-2: "Probably Damaging"; Align-GVGD: "Class C0"). This variant has not been reported in the literature in individuals with SLC2A1-related conditions. This sequence change replaces glycine with arginine at codon 332 of the SLC2A1 protein (p.Gly332Arg). The glycine residue is highly conserved and there is a moderate physicochemical difference between glycine and arginine.

NM_006516.4(SLC2A1):c.994G>C (p.Gly332Arg)

Gene: SLC2A1 (solute carrier family 2 member 1; minus strand). Cytogenetic location: 1p34.2.
Variant type: single nucleotide variant.
Coding change: c.994G>C on transcript NM_006516.4 (MANE Select); coding-DNA position 994, G replaced by C.
Protein change: p.Gly332Arg; replaces glycine 332 with arginine.
Molecular consequence: missense variant.
Genome position (GRCh38, 1-based): chr1:42,929,012, C>G on the plus strand (G>C on the coding strand, the complement: SLC2A1 is on the minus strand). VCF-style: chr1-42929012-C-G. GRCh37 (hg19) VCF-style: chr1-43394683-C-G.
Other names: short protein forms G332R.
Identifiers: ClinVar variation 949794 (VCV000949794.10), dbSNP rs1643457707, ClinGen allele CA339956040.
Genomic context (GRCh38, chr1:42,929,012, plus strand): 5'-TCATGAGTATGGCACAACCCGCCATGCCAGCGAGGCCTATGAGGTGCAGGGTCCGCCGGC[C>G]TGCTCGCTCCACCACAAACAGCTGTGGGCAGAGACAGTGTCAGTGCCACCCCTGCCTAGT-3'
Protein context (NP_006507.2, residues 322-342): VVSLFVVERA[Gly332Arg]RRTLHLIGLA